The following is an entry in ClinVar:

NM_001378615.1(CC2D2A):c.123+440C>T

Genes: CC2D2A (coiled-coil and C2 domain containing 2A; plus strand), FBXL5 (F-box and leucine rich repeat protein 5; minus strand). Cytogenetic location: 4p15.32.
Variant type: single nucleotide variant.
Coding change: c.123+440C>T on transcript NM_001378615.1 (MANE Select); 440 bases into the intron after coding-DNA position 123, C replaced by T.
Molecular consequence: intron variant. On other transcripts: 5 prime UTR variant (1), synonymous variant (1).
Genome position (GRCh38, 1-based): chr4:15,479,246, C>T. VCF-style: chr4-15479246-C-T. GRCh37 (hg19) VCF-style: chr4-15480870-C-T.
Other names: c.-107C>T (NM_001378617.1); c.147C>T, p.Ala49= (NM_020785.2); c.123+440C>T (NM_001080522.2, NM_001164720.3).
Identifiers: ClinVar variation 3031321 (VCV003031321.5), dbSNP rs1431379984, ClinGen allele CA549881205.
Genomic context (GRCh38, chr4:15,479,246, plus strand): 5'-TTTCCAACTCCAAGCCCAAATTCTGTCTTTGAGGCAGAAGCCAACTCCTTTCTCCCGAGC[C>T]TGCTGGCAGATCCTCCCCCACCTCTCCGCAGGAGTTCCCCTCCTAGGCTGGGAGCATCCC-3'

ClinVar aggregate classification (germline): Likely benign. Review status: criteria provided, multiple submitters, no conflicts (2 of 4 stars). 3 submissions from 3 submitters: Likely benign (2). 1 of the submissions does not count toward it. Last evaluated 2026-06-01.

Conditions:
CC2D2A-related disorder. Also called: CC2D2A-related condition; CC2D2A-related disorders. Identifiers: MedGen CN239313.

Allele frequency attached by ClinVar (database versions not stated): gnomAD exomes below 0.00001.
gnomAD v4.1: 3 of 1,537,226 alleles (0.0002%); highest among the groups gnomAD compares: Admixed American, 0.002%; no homozygotes.

Submissions (3):

CeGaT Center for Human Genetics Tuebingen
Classification: Likely benign. Last evaluated: 2026-06-01. Review status: criteria provided, single submitter. Criteria: CeGaT Center For Human Genetics Tuebingen Variant Classification Criteria Version 2. Collection method: clinical testing. Allele origin: germline. Affected: yes. Observed: 1 variant allele.
Comment: CC2D2A: BP4, BP7

Blueprint Genetics
Classification: Likely benign. Last evaluated: 2021-12-14. Review status: criteria provided, single submitter. Criteria: ACMG Guidelines, 2015. Collection method: clinical testing. Allele origin: germline.

PreventionGenetics, part of Exact Sciences
Classification: Likely benign for CC2D2A-related condition. Last evaluated: 2023-09-06. Review status: no assertion criteria provided. Collection method: clinical testing. Allele origin: germline. Not counted in ClinVar's aggregate classification.
Comment: This variant is classified as likely benign based on ACMG/AMP sequence variant interpretation guidelines (Richards et al. 2015 PMID: 25741868, with internal and published modifications).